The following is an entry in ClinVar:

NM_000044.6(AR):c.188A>T (p.Gln63Leu)

Genes: AR (androgen receptor; plus strand), LOC109504725 (androgen receptor repeat instability region; plus strand). Cytogenetic location: Xq12.
Variant type: single nucleotide variant.
Coding change: c.188A>T on transcript NM_000044.6 (MANE Select); coding-DNA position 188, A replaced by T.
Protein change: p.Gln63Leu; replaces glutamine 63 with leucine.
Molecular consequence: missense variant. On other transcripts: 5 prime UTR variant (1).
Genome position (GRCh38, 1-based): chrX:67,545,334, A>T. VCF-style: chrX-67545334-A-T. GRCh37 (hg19) VCF-style: chrX-66765176-A-T.
Other names: c.188A>T, p.Gln63Leu (NM_001348061.1, NM_001348063.1, NM_001348064.1); c.-1596A>T (NM_001011645.3); short protein forms Q63L.
Identifiers: ClinVar variation 931831 (VCV000931831.9), dbSNP rs62636527, ClinGen allele CA10436245.

ClinVar aggregate classification (germline): Uncertain significance. Review status: criteria provided, multiple submitters, no conflicts (2 of 4 stars). 3 submissions from 3 submitters: Uncertain significance (3). Last evaluated 2021-08-25.

Conditions:
Androgen resistance syndrome (AIS). Also called: DIHYDROTESTOSTERONE RECEPTOR DEFICIENCY; ANDROGEN RECEPTOR DEFICIENCY; DHTR DEFICIENCY; TESTICULAR FEMINIZATION SYNDROME; Androgen insensitivity syndrome; Androgen insensitivity, complete. Identifiers: Orphanet 754, Orphanet 99429, MedGen C0039585, MONDO:0019154, OMIM 300068. Disease mechanism: loss of function.
Kennedy disease (SMAX1). Also called: KENNEDY SPINAL AND BULBAR MUSCULAR ATROPHY; SPINAL AND BULBAR MUSCULAR ATROPHY, X-LINKED 1; Spinal and Bulbar Muscular Atrophy. Identifiers: Orphanet 481, MedGen C1839259, MONDO:0010735, OMIM 313200.
Prostate cancer. Also called: Malignant tumor of prostate. Identifiers: Orphanet 1331, MedGen C0376358, MONDO:0008315, HP:0012125.

Allele frequency attached by ClinVar (database versions not stated): ExAC below 0.00001; gnomAD exomes 0.00001; gnomAD 0.00006.
gnomAD v4.1: 9 of 1,069,007 alleles (0.00084%); highest among the groups gnomAD compares: African/African-American, 0.012%; no homozygotes.

Submissions (3):

Labcorp Genetics (formerly Invitae), Labcorp
Classification: Uncertain significance for Kennedy disease; Androgen resistance syndrome. Last evaluated: 2021-08-25. Review status: criteria provided, single submitter. Criteria: Invitae Variant Classification Sherloc (09022015). Collection method: clinical testing. Allele origin: germline.
Comment: This sequence change replaces glutamine with leucine at codon 63 of the AR protein (p.Gln63Leu). The glutamine residue is weakly conserved and there is a moderate physicochemical difference between glutamine and leucine. The frequency data for this variant in the population databases is considered unreliable, as metrics indicate poor data quality at this position in the ExAC database. This variant has not been reported in the literature in individuals affected with AR-related conditions. ClinVar contains an entry for this variant (Variation ID: 931831). Algorithms developed to predict the effect of missense changes on protein structure and function are either unavailable or do not agree on the potential impact of this missense change (SIFT: "Deleterious"; PolyPhen-2: "Benign"; Align-GVGD: "Class C0"). In summary, the available evidence is currently insufficient to determine the role of this variant in disease. Therefore, it has been classified as a Variant of Uncertain Significance.

Centre for Mendelian Genomics, University Medical Centre Ljubljana
Classification: Uncertain significance for Familial prostate cancer. Last evaluated: 2020-01-14. Review status: criteria provided, single submitter. Criteria: ACMG Guidelines, 2015. Collection method: clinical testing. Allele origin: unknown. Affected: yes.
Comment: This variant was classified as: Uncertain significance. The following ACMG criteria were applied in classifying this variant: PM2,PP3. This variant was detected in hemizygous state.

Breakthrough Genomics
Classification: Uncertain significance. Review status: criteria provided, single submitter. Criteria: ACMG Guidelines, 2015. Collection method: not provided. Allele origin: germline. Inheritance: X-linked inheritance. Affected: yes.